The following is an entry in ClinVar:

NM_004183.4(BEST1):c.1065_1067del (p.Arg356del)

Gene: BEST1 (bestrophin 1; plus strand). Cytogenetic location: 11q12.3.
Variant type: Deletion.
Coding change: c.1065_1067del on transcript NM_004183.4 (MANE Select); coding-DNA positions 1065 to 1067, 3 bases deleted (TCG; older notation c.1065_1067delTCG).
Protein change: p.Arg356del; deletes arginine 356.
Molecular consequence: non-coding transcript variant (on NR_134580.2).
Genome position (GRCh38, 1-based): chr11:61,960,008-61,960,010, TCG deleted; deleting any 3 consecutive bases within chr11:61,960,006-61,960,010 gives the same sequence; the c. name uses the placement nearest the transcript's 3' end. VCF-style (leftmost placement, unchanged base first): chr11-61960005-CCGT-C. GRCh37 (hg19) VCF-style: chr11-61727477-CCGT-C.
Other names: c.885_887del, p.Arg296del (NM_001139443.3, NM_001300787.2); c.804_806del, p.Arg269del (NM_001300786.2, NM_001440574.1); c.747_749del, p.Arg250del (NM_001363591.3); c.1268_1270del, p.Val423del (NM_001363592.2); c.93_95del, p.Arg32del (NM_001363593.3); c.1065_1067del, p.Arg356del (NM_001440571.1); c.984_986del, p.Arg329del (NM_001440572.1); c.912_914del, p.Arg305del (NM_001440573.1); and 2 more; short protein forms R218del, R245del, R250del, R269del, R296del, R305del, R329del, R32del.
Identifiers: ClinVar variation 4809706 (VCV004809706.1).

ClinVar aggregate classification (germline): Uncertain significance (1 of 4 stars; one submission).

Submission:

Labcorp Genetics (formerly Invitae), Labcorp
Classification: Uncertain significance. Last evaluated: 2025-12-20. Review status: criteria provided, single submitter. Criteria: Invitae Variant Classification Sherloc (09022015). Collection method: clinical testing. Allele origin: germline.
Comment: This variant, c.1065_1067del, results in the deletion of 1 amino acid(s) of the BEST1 protein (p.Arg356del), but otherwise preserves the integrity of the reading frame. This variant is not present in population databases (gnomAD no frequency). This variant has not been reported in the literature in individuals affected with BEST1-related conditions. Experimental studies and prediction algorithms are not available or were not evaluated, and the functional significance of this variant is currently unknown. In summary, the available evidence is currently insufficient to determine the role of this variant in disease. Therefore, it has been classified as a Variant of Uncertain Significance.